The following is an entry in ClinVar:

NM_000180.4(GUCY2D):c.3057C>T (p.His1019=)

Gene: GUCY2D (guanylate cyclase 2D, retinal; plus strand). Cytogenetic location: 17p13.1.
Variant type: single nucleotide variant.
Coding change: c.3057C>T on transcript NM_000180.4 (MANE Select); coding-DNA position 3057, C replaced by T.
Protein change: p.His1019=; no amino-acid change (histidine 1019 retained).
Molecular consequence: synonymous variant.
Genome position (GRCh38, 1-based): chr17:8,015,940, C>T. VCF-style: chr17-8015940-C-T. GRCh37 (hg19) VCF-style: chr17-7919258-C-T.
Other names: c.3057C>T (NM_000180.3).
Identifiers: ClinVar variation 1158473 (VCV001158473.11), dbSNP rs780426461, ClinGen allele CA8366307.
Genomic context (GRCh38, chr17:8,015,940, plus strand): 5'-GACACGGGAGGTGAGTCCCGAGCTCACGGCGTCCCCCACCGCCACAGCTTACCGCATCCA[C>T]GTGAACTTGAGCACTGTGGGGATTCTCCGTGCTCTGGACTCGGGCTACCAGGTGGAGCTG-3'
Protein context (NP_000171.1, residues 1009-1029): MESTGLPYRI[His1019=]VNLSTVGILR

ClinVar aggregate classification (germline): Likely benign. Review status: criteria provided, single submitter (1 of 4 stars). 2 submissions from 2 submitters: Likely benign (1). 1 of the submissions does not count toward it. Last evaluated 2024-10-16.

Conditions:
Cone-rod dystrophy 6 (CORD6). Also called: RETINAL CONE DYSTROPHY 2; Cone dystrophy progressive. Identifiers: Orphanet 1872, MedGen C1866293, MONDO:0011143, OMIM 601777.
Leber congenital amaurosis 1 (LCA1). Also called: Congenital absence of the rods and cones; Leber's congenital tapetoretinal degeneration; Leber's congenital tapetoretinal dysplasia; RETINAL BLINDNESS, CONGENITAL; AMAUROSIS CONGENITA OF LEBER I. Identifiers: Orphanet 65, MedGen C2931258, MONDO:0008764, OMIM 204000.
GUCY2D-related disorder. Also called: GUCY2D-related condition.

Allele frequency attached by ClinVar (database versions not stated): gnomAD exomes below 0.00001; ExAC 0.00001; TOPMed 0.00002.

Submissions (2):

Labcorp Genetics (formerly Invitae), Labcorp
Classification: Likely benign for Leber congenital amaurosis 1; Cone-rod dystrophy 6. Last evaluated: 2024-10-16. Review status: criteria provided, single submitter. Criteria: Invitae Variant Classification Sherloc (09022015). Collection method: clinical testing. Allele origin: germline.

PreventionGenetics, part of Exact Sciences
Classification: Likely benign for GUCY2D-related condition. Last evaluated: 2019-03-28. Review status: no assertion criteria provided. Collection method: clinical testing. Allele origin: germline. Not counted in ClinVar's aggregate classification.
Comment: This variant is classified as likely benign based on ACMG/AMP sequence variant interpretation guidelines (Richards et al. 2015 PMID: 25741868, with internal and published modifications).